The following is an entry in ClinVar:

NM_000235.4(LIPA):c.37del (p.Val13fs)

Gene: LIPA (lipase A, lysosomal acid type; minus strand). Cytogenetic location: 10q23.31.
Variant type: Deletion.
Coding change: c.37del on transcript NM_000235.4 (MANE Select); coding-DNA position 37, one base deleted (G; older notation c.37delG).
Protein change: p.Val13fs; shifts the reading frame from valine 13.
Molecular consequence: frameshift variant. On other transcripts: intron variant (1).
Genome position (GRCh38, 1-based): chr10:89,247,612, C deleted on the plus strand (G on the coding strand, the reverse complement: LIPA is on the minus strand); the first of 2 consecutive C bases (chr10:89,247,612-89,247,613); deleting either gives the same sequence. VCF-style (leftmost placement, unchanged base first): chr10-89247611-AC-A. GRCh37 (hg19) VCF-style: chr10-91007368-AC-A.
Other names: c.37del, p.Val13fs (NM_001127605.3); c.-120+4125del (NM_001288979.2); short protein forms V13fs.
Identifiers: ClinVar variation 1069094 (VCV001069094.10), dbSNP rs2133468040, ClinGen allele CA2499220485.

ClinVar aggregate classification (germline): Pathogenic (1 of 4 stars; one submission).

Conditions:
Wolman disease (WOLD). Also called: LYSOSOMAL ACID LIPASE DEFICIENCY, ACUTE INFANTILE; LYSOSOMAL ACID LIPASE DEFICIENCY, COMPLETE; LIPA DEFICIENCY, COMPLETE; LAL DEFICIENCY, COMPLETE; CHOLESTEROL ESTER HYDROLASE DEFICIENCY, COMPLETE; Infantile-Onset LAL-D (Wolman Disease). Identifiers: Orphanet 75233, MedGen C0043208, MONDO:0019148, OMIM 620151.

Submission:

Labcorp Genetics (formerly Invitae), Labcorp
Classification: Pathogenic for Wolman disease. Last evaluated: 2020-02-16. Review status: criteria provided, single submitter. Criteria: Invitae Variant Classification Sherloc (09022015). Collection method: clinical testing. Allele origin: germline.
Comment: For these reasons, this variant has been classified as Pathogenic. Loss-of-function variants in LIPA are known to be pathogenic (PMID: 23485521). This variant has not been reported in the literature in individuals with LIPA-related conditions. This variant is not present in population databases (ExAC no frequency). This sequence change creates a premature translational stop signal (p.Val13Phefs*14) in the LIPA gene. It is expected to result in an absent or disrupted protein product.

Literature cited by the submitters: PubMed 23485521.